The following is an entry in ClinVar:

ClinVar aggregate classification (germline): Uncertain significance (1 of 4 stars; one submission).

gnomAD v4.1: 1 of 1,614,154 alleles (0.000062%); highest among the groups gnomAD compares: Non-Finnish European, 0.000085%; no homozygotes.

Submission:

GeneDx
Classification: Uncertain significance. Last evaluated: 2026-09-25. Review status: criteria provided, single submitter. Criteria: GeneDx Variant Classification Process June 2021. Collection method: clinical testing. Allele origin: germline.
Comment: Not observed at significant frequency in large population cohorts (gnomAD); In silico analysis supports that this missense variant has a deleterious effect on protein structure/function; Has not been previously published as pathogenic or benign to our knowledge

NM_004817.4(TJP2):c.2160G>T (p.Glu720Asp)

Gene: TJP2 (tight junction protein 2; plus strand). Cytogenetic location: 9q21.11.
Variant type: single nucleotide variant.
Coding change: c.2160G>T on transcript NM_004817.4 (MANE Select); coding-DNA position 2160, G replaced by T.
Protein change: p.Glu720Asp; replaces glutamic acid 720 with aspartic acid.
Molecular consequence: missense variant.
Genome position (GRCh38, 1-based): chr9:69,237,117, G>T. VCF-style: chr9-69237117-G-T. GRCh37 (hg19) VCF-style: chr9-71852033-G-T.
Other names: c.2091G>T, p.Glu697Asp (NM_001170414.2, NM_001369871.1); c.2172G>T, p.Glu724Asp (NM_001170415.1, NM_001369874.1, NM_001369875.1); c.2253G>T, p.Glu751Asp (NM_001170416.2); c.2085G>T, p.Glu695Asp (NM_001369870.1); c.2160G>T, p.Glu720Asp (NM_001369872.1, NM_001369873.1, NM_201629.3); short protein forms E695D, E697D, E720D, E724D, E751D.
Identifiers: ClinVar variation 4976284 (VCV004976284.2).